The following is an entry in ClinVar:

ClinVar aggregate classification (germline): Uncertain significance (1 of 4 stars; one submission).

Submission:

Labcorp Genetics (formerly Invitae), Labcorp
Classification: Uncertain significance. Last evaluated: 2022-04-07. Review status: criteria provided, single submitter. Criteria: Invitae Variant Classification Sherloc (09022015). Collection method: clinical testing. Allele origin: germline.
Comment: This variant has not been reported in the literature in individuals affected with FLNB-related conditions. In summary, the available evidence is currently insufficient to determine the role of this variant in disease. Therefore, it has been classified as a Variant of Uncertain Significance. Algorithms developed to predict the effect of sequence changes on RNA splicing suggest that this variant may create or strengthen a splice site. Advanced modeling of protein sequence and biophysical properties (such as structural, functional, and spatial information, amino acid conservation, physicochemical variation, residue mobility, and thermodynamic stability) performed at Invitae indicates that this missense variant is not expected to disrupt FLNB protein function. This variant is not present in population databases (gnomAD no frequency). This sequence change replaces arginine, which is basic and polar, with serine, which is neutral and polar, at codon 1458 of the FLNB protein (p.Arg1458Ser).

NM_001457.4(FLNB):c.4374G>T (p.Arg1458Ser)

Gene: FLNB (filamin B; plus strand). Cytogenetic location: 3p14.3.
Variant type: single nucleotide variant.
Coding change: c.4374G>T on transcript NM_001457.4 (MANE Select); coding-DNA position 4374, G replaced by T.
Protein change: p.Arg1458Ser; replaces arginine 1458 with serine.
Molecular consequence: missense variant.
Genome position (GRCh38, 1-based): chr3:58,130,892, G>T. VCF-style: chr3-58130892-G-T. GRCh37 (hg19) VCF-style: chr3-58116619-G-T.
Other names: c.4374G>T, p.Arg1458Ser (NM_001164317.2, NM_001164318.2, NM_001164319.2); short protein forms R1458S.
Identifiers: ClinVar variation 2122657 (VCV002122657.4), dbSNP rs2471147812, ClinGen allele CA353350902.